The following is an entry in ClinVar:

ClinVar aggregate classification (germline): Pathogenic (1 of 4 stars; one submission).

Submission:

Labcorp Genetics (formerly Invitae), Labcorp
Classification: Pathogenic. Last evaluated: 2023-02-17. Review status: criteria provided, single submitter. Criteria: Invitae Variant Classification Sherloc (09022015). Collection method: clinical testing. Allele origin: germline.
Comment: This sequence change creates a premature translational stop signal (p.Gly3895*) in the ADGRV1 gene. It is expected to result in an absent or disrupted protein product. Loss-of-function variants in ADGRV1 are known to be pathogenic (PMID: 19357117, 22135276, 22147658, 26226137, 30718709, 31047384, 32467589). This variant is not present in population databases (gnomAD no frequency). This variant has not been reported in the literature in individuals affected with ADGRV1-related conditions. For these reasons, this variant has been classified as Pathogenic.

Literature cited by the submitters: PubMed 19357117; PubMed 22135276; PubMed 22147658; PubMed 26226137; PubMed 30718709; PubMed 31047384; PubMed 32467589.

NM_032119.4(ADGRV1):c.11683G>T (p.Gly3895Ter)

Gene: ADGRV1 (adhesion G protein-coupled receptor V1; plus strand). Cytogenetic location: 5q14.3.
Variant type: single nucleotide variant.
Coding change: c.11683G>T on transcript NM_032119.4 (MANE Select); coding-DNA position 11683, G replaced by T.
Protein change: p.Gly3895Ter; replaces glycine 3895 with a stop codon.
Molecular consequence: nonsense. On other transcripts: non-coding transcript variant (1).
Genome position (GRCh38, 1-based): chr5:90,756,556, G>T. VCF-style: chr5-90756556-G-T. GRCh37 (hg19) VCF-style: chr5-90052373-G-T.
Other names: short protein forms G3895*.
Identifiers: ClinVar variation 2838438 (VCV002838438.3), dbSNP rs779635749, ClinGen allele CA360369505.